The following is an entry in ClinVar:

ClinVar aggregate classification (germline): Uncertain significance (1 of 4 stars; one submission).

gnomAD v4.1: 2 of 1,509,556 alleles (0.00013%); highest among the groups gnomAD compares: Non-Finnish European, 0.00018%; no homozygotes.

Submission:

Labcorp Genetics (formerly Invitae), Labcorp
Classification: Uncertain significance. Last evaluated: 2024-08-14. Review status: criteria provided, single submitter. Criteria: Invitae Variant Classification Sherloc (09022015). Collection method: clinical testing. Allele origin: germline.
Comment: This sequence change replaces aspartic acid, which is acidic and polar, with tyrosine, which is neutral and polar, at codon 185 of the SNX14 protein (p.Asp185Tyr). This variant is not present in population databases (gnomAD no frequency). This variant has not been reported in the literature in individuals affected with SNX14-related conditions. Invitae Evidence Modeling of protein sequence and biophysical properties (such as structural, functional, and spatial information, amino acid conservation, physicochemical variation, residue mobility, and thermodynamic stability) indicates that this missense variant is expected to disrupt SNX14 protein function with a positive predictive value of 80%. In summary, the available evidence is currently insufficient to determine the role of this variant in disease. Therefore, it has been classified as a Variant of Uncertain Significance.

NM_153816.6(SNX14):c.553G>T (p.Asp185Tyr)

Gene: SNX14 (sorting nexin 14; minus strand). Cytogenetic location: 6q14.3.
Variant type: single nucleotide variant.
Coding change: c.553G>T on transcript NM_153816.6 (MANE Select); coding-DNA position 553, G replaced by T.
Protein change: p.Asp185Tyr; replaces aspartic acid 185 with tyrosine.
Molecular consequence: missense variant. On other transcripts: 5 prime UTR variant (5), non-coding transcript variant (6), intron variant (2).
Genome position (GRCh38, 1-based): chr6:85,558,057, C>A on the plus strand (G>T on the coding strand, the complement: SNX14 is on the minus strand). VCF-style: chr6-85558057-C-A. GRCh37 (hg19) VCF-style: chr6-86267775-C-A.
Other names: c.553G>T, p.Asp185Tyr (NM_001297614.3, NM_001350538.2, NM_001350540.2 and 1 more transcripts); c.397G>T, p.Asp133Tyr (NM_001304479.2, NM_001350544.2); c.616G>T, p.Asp206Tyr (NM_001350532.2); c.550G>T, p.Asp184Tyr (NM_001350533.2, NM_001350534.2, NM_001350535.2); c.421G>T, p.Asp141Tyr (NM_001350536.2, NM_020468.6); c.418G>T, p.Asp140Tyr (NM_001350537.2); c.394G>T, p.Asp132Tyr (NM_001350539.2); c.265G>T, p.Asp89Tyr (NM_001350542.2); and 6 more; short protein forms D141Y, D206Y, D133Y, D184Y, D37Y, D88Y, D185Y, D132Y.
Identifiers: ClinVar variation 3662270 (VCV003662270.2).